The following is an entry in ClinVar:

ClinVar aggregate classification (germline): Uncertain significance. Review status: criteria provided, multiple submitters, no conflicts (2 of 4 stars). 2 submissions from 2 submitters: Uncertain significance (2). Last evaluated 2025-02-02.

Conditions:
Baller-Gerold syndrome (BGS). Also called: CRANIOSYNOSTOSIS WITH RADIAL DEFECTS. Identifiers: Orphanet 1225, MedGen C0265308, MONDO:0009039, OMIM 218600.
Inborn genetic diseases. Identifiers: MedGen C0950123, MeSH D030342.

Submissions (2):

Ambry Genetics
Classification: Uncertain significance for Inborn genetic diseases. Last evaluated: 2025-02-02. Review status: criteria provided, single submitter. Criteria: Ambry Variant Classification Scheme 2023. Collection method: clinical testing. Allele origin: germline.
Comment: The p.G1117E variant (also known as c.3350G>A), located in coding exon 19 of the RECQL4 gene, results from a G to A substitution at nucleotide position 3350. The glycine at codon 1117 is replaced by glutamic acid, an amino acid with similar properties. This amino acid position is conserved. In addition, this alteration is predicted to be tolerated by in silico analysis. Based on the available evidence, the clinical significance of this variant remains unclear.

Labcorp Genetics (formerly Invitae), Labcorp
Classification: Uncertain significance for Baller-Gerold syndrome. Last evaluated: 2023-08-03. Review status: criteria provided, single submitter. Criteria: Invitae Variant Classification Sherloc (09022015). Collection method: clinical testing. Allele origin: germline.
Comment: In summary, the available evidence is currently insufficient to determine the role of this variant in disease. Therefore, it has been classified as a Variant of Uncertain Significance. Algorithms developed to predict the effect of missense changes on protein structure and function output the following: SIFT: "Not Available"; PolyPhen-2: "Not Available"; Align-GVGD: "Not Available". The glutamic acid amino acid residue is found in multiple mammalian species, which suggests that this missense change does not adversely affect protein function. This variant has not been reported in the literature in individuals affected with RECQL4-related conditions. This variant is not present in population databases (gnomAD no frequency). This sequence change replaces glycine, which is neutral and non-polar, with glutamic acid, which is acidic and polar, at codon 1117 of the RECQL4 protein (p.Gly1117Glu).

NM_004260.4(RECQL4):c.3350G>A (p.Gly1117Glu)

Gene: RECQL4 (RecQ like helicase 4; minus strand). Cytogenetic location: 8q24.3.
Variant type: single nucleotide variant.
Coding change: c.3350G>A on transcript NM_004260.4 (MANE Select); coding-DNA position 3350, G replaced by A.
Protein change: p.Gly1117Glu; replaces glycine 1117 with glutamic acid.
Molecular consequence: missense variant. On other transcripts: non-coding transcript variant (3).
Genome position (GRCh38, 1-based): chr8:144,511,954, C>T on the plus strand (G>A on the coding strand, the complement: RECQL4 is on the minus strand). VCF-style: chr8-144511954-C-T. GRCh37 (hg19) VCF-style: chr8-145737337-C-T.
Other names: c.3056G>A, p.Gly1019Glu (NM_001413017.1); c.3152G>A, p.Gly1051Glu (NM_001413018.1); c.3425G>A, p.Gly1142Glu (NM_001413019.1); c.3254G>A, p.Gly1085Glu (NM_001413020.1); c.2279G>A, p.Gly760Glu (NM_001413021.1, NM_001413022.1, NM_001413024.1 and 4 more transcripts); c.2354G>A, p.Gly785Glu (NM_001413023.1); c.3221G>A, p.Gly1074Glu (NM_001413025.1); c.2213G>A, p.Gly738Glu (NM_001413027.1, NM_001413030.1, NM_001413032.1); and 10 more; short protein forms G1000E, G1073E, G1142E, G763E, G1117E, G1019E, G1051E, G1074E.
Identifiers: ClinVar variation 3019458 (VCV003019458.4), dbSNP rs1199300079, ClinGen allele CA372668390.